The following is an entry in ClinVar:

NC_000002.11:g.(?_230628552)_(230725248_230744697)dup

Gene: TRIP12 (thyroid hormone receptor interactor 12; minus strand). Cytogenetic location: 2q36.3.
Variant type: Duplication.
Identifiers: ClinVar variation 4853442 (VCV004853442.1).

ClinVar aggregate classification (germline): Uncertain significance (1 of 4 stars; one submission).

Submission:

Women's Health and Genetics/Laboratory Corporation of America, LabCorp
Classification: Uncertain significance. Last evaluated: 2026-05-08. Review status: criteria provided, single submitter. Criteria: LabCorp Variant Classification Summary - May 2015. Collection method: clinical testing. Allele origin: germline.
Comment: Variant summary: The variant involves the duplication of exons 4-32 in the TRIP12 gene. A presumed nomenclature of c.(98+1_99-1)_(*3718_?)dup has been designated for the purposes of this classification. The exact breakpoint at the 3' end of this variant is unknown, therefore this duplication may extend downstream of the annotated region of the gene. As it duplicates the termination codon, its effect on the encoded protein is unknown. The variant was absent in 21694 control chromosomes. The available data on variant occurrences in the general population are insufficient to allow any conclusion about variant significance. To our knowledge, no occurrence of c.(98+1_99-1)_(*3718_?)dup in individuals affected with TRIP12-related conditions and no experimental evidence demonstrating its impact on protein function have been reported. ClinVar contains an entry for this variant (Variation ID: 1340841). Based on the evidence outlined above, the variant was classified as uncertain significance.